The following is an entry in ClinVar:

NC_012920.1(MT-CO3):m.9276G>A

Gene: MT-CO3 (mitochondrially encoded cytochrome c oxidase III; plus strand).
Variant type: single nucleotide variant.
Genome position: chrM-9276-G-A.
Identifiers: ClinVar variation 693136 (VCV000693136.1), dbSNP rs1603222209, ClinGen allele CA414802582.

ClinVar aggregate classification (germline): Likely benign (1 of 4 stars; one submission).

Conditions:
Leigh syndrome (NULS). Also called: Leigh's necrotizing encephalopathy; Leigh's disease; Leigh Syndrome (mtDNA deletion); Leigh Disease; Subacute necrotizing encephalopathy; Necrotizing encephalopathy infantile subacute of Leigh. Identifiers: Orphanet 506, MedGen C2931891, MONDO:0009723, OMIM 256000.

Submission:

Wong Mito Lab, Molecular and Human Genetics, Baylor College of Medicine
Classification: Likely benign for Leigh syndrome. Last evaluated: 2019-10-17. Review status: criteria provided, single submitter. Criteria: Modified ACMG Guidelines (Unpublished). Collection method: clinical testing. Allele origin: germline.
Comment: The NC_012920.1:m.9276G>A (YP_003024032.1:p.Ala24Thr) variant in MTCO3 gene is interpretated to be a Likely Benign variant based on the modified ACMG guidelines (unpublished). This variant meets the following evidence codes: BS4, BP4